The following is an entry in ClinVar:

ClinVar aggregate classification (germline): Uncertain significance (1 of 4 stars; one submission).

gnomAD v4.1: 1 of 1,614,186 alleles (0.000062%); highest among the groups gnomAD compares: South Asian, 0.0011%; no homozygotes.

Submission:

Labcorp Genetics (formerly Invitae), Labcorp
Classification: Uncertain significance. Last evaluated: 2025-04-22. Review status: criteria provided, single submitter. Criteria: Invitae Variant Classification Sherloc (09022015). Collection method: clinical testing. Allele origin: germline.
Comment: This sequence change replaces valine, which is neutral and non-polar, with leucine, which is neutral and non-polar, at codon 1092 of the ASXL1 protein (p.Val1092Leu). This variant is not present in population databases (gnomAD no frequency). This variant has not been reported in the literature in individuals affected with ASXL1-related conditions. An algorithm developed to predict the effect of missense changes on protein structure and function outputs the following: PolyPhen-2: "Benign". The leucine amino acid residue is found in multiple mammalian species, which suggests that this missense change does not adversely affect protein function. In summary, the available evidence is currently insufficient to determine the role of this variant in disease. Therefore, it has been classified as a Variant of Uncertain Significance.

NM_015338.6(ASXL1):c.3274G>T (p.Val1092Leu)

Gene: ASXL1 (ASXL transcriptional regulator 1; plus strand). Cytogenetic location: 20q11.21.
Variant type: single nucleotide variant.
Coding change: c.3274G>T on transcript NM_015338.6 (MANE Select); coding-DNA position 3274, G replaced by T.
Protein change: p.Val1092Leu; replaces valine 1092 with leucine.
Molecular consequence: missense variant.
Genome position (GRCh38, 1-based): chr20:32,435,986, G>T. VCF-style: chr20-32435986-G-T. GRCh37 (hg19) VCF-style: chr20-31023789-G-T.
Other names: c.3091G>T, p.Val1031Leu (NM_001363734.1); short protein forms V1031L, V1092L.
Identifiers: ClinVar variation 4767800 (VCV004767800.1).